The following is an entry in ClinVar:

ClinVar aggregate classification (germline): Pathogenic. Review status: criteria provided, multiple submitters, no conflicts (2 of 4 stars). 5 submissions from 5 submitters: Pathogenic (5). Last evaluated 2025-03-17.

Conditions:
Hereditary nonpolyposis colorectal neoplasms. Identifiers: MedGen C0009405, MeSH D003123.
Lynch syndrome 4 (LYNCH4). Also called: Hereditary non-polyposis colorectal cancer, type 4; Colorectal cancer, hereditary nonpolyposis, type 4. Identifiers: Orphanet 144, MedGen C1838333, MONDO:0013699, OMIM 614337. Disease mechanism: loss of function.
Hereditary cancer-predisposing syndrome. Also called: Neoplastic Syndromes, Hereditary; Hereditary Cancer Syndrome; Tumor predisposition; Hereditary neoplastic syndrome. Identifiers: Orphanet 140162, MedGen C0027672, MeSH D009386, MONDO:0015356.

Submissions (5):

Labcorp Genetics (formerly Invitae), Labcorp
Classification: Pathogenic for Hereditary nonpolyposis colorectal neoplasms. Last evaluated: 2025-03-17. Review status: criteria provided, single submitter. Criteria: Invitae Variant Classification Sherloc (09022015). Collection method: clinical testing. Allele origin: germline.
Comment: This sequence change creates a premature translational stop signal (p.Gln212*) in the PMS2 gene. It is expected to result in an absent or disrupted protein product. Loss-of-function variants in PMS2 are known to be pathogenic (PMID: 21376568, 24362816). This variant is not present in population databases (gnomAD no frequency). This premature translational stop signal has been observed in individual(s) with clinical features of constitutional mismatch repair deficiency syndrome (CMMR-D) (PMID: 30013564). ClinVar contains an entry for this variant (Variation ID: 574729). RNA analysis performed to evaluate the impact of this premature translational stop signal on mRNA splicing indicates it does not significantly alter splicing (internal data). For these reasons, this variant has been classified as Pathogenic.

Ambry Genetics
Classification: Pathogenic for Hereditary cancer-predisposing syndrome. Last evaluated: 2024-08-29. Review status: criteria provided, single submitter. Criteria: Ambry Variant Classification Scheme 2023. Collection method: clinical testing. Allele origin: germline.
Comment: The p.Q212* pathogenic mutation (also known as c.634C>T), located in coding exon 6 of the PMS2 gene, results from a C to T substitution at nucleotide position 634. This changes the amino acid from a glutamine to a stop codon within coding exon 6. This variant is considered to be rare based on population cohorts in the Genome Aggregation Database (gnomAD). This alteration is expected to result in loss of function by premature protein truncation or nonsense-mediated mRNA decay. As such, this alteration is interpreted as a disease-causing mutation.

Myriad Genetics, Inc.
Classification: Pathogenic for Lynch syndrome 4. Last evaluated: 2023-09-19. Review status: criteria provided, single submitter. Criteria: Myriad Autosomal Dominant, Autosomal Recessive and X-Linked Classification Criteria (2023). Collection method: clinical testing. Allele origin: unknown.
Comment: This variant is considered pathogenic. This variant creates a termination codon and is predicted to result in premature protein truncation.

GeneDx
Classification: Pathogenic. Last evaluated: 2022-11-04. Review status: criteria provided, single submitter. Criteria: GeneDx Variant Classification Process June 2021. Collection method: clinical testing. Allele origin: germline. Affected: yes.
Comment: Nonsense variant predicted to result in protein truncation or nonsense mediated decay in a gene for which loss of function is a known mechanism of disease; Not observed at significant frequency in large population cohorts (gnomAD); Truncating variants in this gene are considered pathogenic by a well-established clinical consortium and/or database; This variant is associated with the following publications: (PMID: 30013564)

Color Diagnostics, LLC DBA Color Health
Classification: Pathogenic for Hereditary cancer-predisposing syndrome. Last evaluated: 2020-01-15. Review status: criteria provided, single submitter. Criteria: ACMG Guidelines, 2015. Collection method: clinical testing. Allele origin: germline.
Comment: This variant changes 1 nucleotide in exon 6 of the PMS2 gene, creating a premature translation stop signal. This variant is expected to result in an absent or non-functional protein product. This variant has not been identified in the general population by the Genome Aggregation Database (gnomAD). Loss of PMS2 function is a known mechanism of disease. Based on the available evidence, this variant is classified as Pathogenic.

Literature cited by the submitters: PubMed 21376568 (cited by Labcorp Genetics (formerly Invitae), Labcorp); PubMed 24362816 (cited by Labcorp Genetics (formerly Invitae), Labcorp); PubMed 30013564 (cited by Labcorp Genetics (formerly Invitae), Labcorp).

NM_000535.7(PMS2):c.634C>T (p.Gln212Ter)

Gene: PMS2 (PMS1 homolog 2, mismatch repair system component; minus strand). Cytogenetic location: 7p22.1.
Variant type: single nucleotide variant.
Coding change: c.634C>T on transcript NM_000535.7 (MANE Select); coding-DNA position 634, C replaced by T.
Protein change: p.Gln212Ter; replaces glutamine 212 with a stop codon.
Molecular consequence: nonsense. On other transcripts: 5 prime UTR variant (2), non-coding transcript variant (1), intron variant (1).
Genome position (GRCh38, 1-based): chr7:5,999,179, G>A on the plus strand (C>T on the coding strand, the complement: PMS2 is on the minus strand). VCF-style: chr7-5999179-G-A. GRCh37 (hg19) VCF-style: chr7-6038810-G-A.
Other names: c.229C>T, p.Gln77Ter (NM_001322003.2, NM_001322004.2, NM_001322005.2 and 2 more transcripts); c.634C>T, p.Gln212Ter (NM_001322006.2, NM_001322014.2); c.316C>T, p.Gln106Ter (NM_001322007.2, NM_001322008.2); c.-300C>T (NM_001322011.2, NM_001322012.2); c.325C>T, p.Gln109Ter (NM_001322015.2); c.133-1756C>T (NM_001322013.2); short protein forms Q212*, Q106*, Q109*, Q77*.
Identifiers: ClinVar variation 574729 (VCV000574729.15), dbSNP rs1562678257, ClinGen allele CA366743945.